The following is an entry in ClinVar:

ClinVar aggregate classification (germline): Benign (1 of 4 stars; one submission).

Submission:

Women's Health and Genetics/Laboratory Corporation of America, LabCorp
Classification: Benign. Last evaluated: 2024-03-07. Review status: criteria provided, single submitter. Criteria: LabCorp Variant Classification Summary - May 2015. Collection method: clinical testing. Allele origin: germline.
Comment: Variant summary: The variant involves a large duplication in the 3'-UTR region of the RBM28 gene. A presumed nomenclature of c.*2101_*10851dup8751 has been designated for the purposes of this classification. This duplication is located in the untranslated mRNA region downstream of the termination codon. The exact breakpoints of this variant are unknown, therefore this duplication may extend further downstream of the annotated region of the gene. It is assumed to be a tandem duplication in direct orientation (PMIDs: 25640679, 30054569). A similar large duplication variant in this region was found at a frequency of 0.0043 in 122568 control chromosomes in the gnomAD database (Structural Variants v4.0 dataset), including 77 homozygotes. To our knowledge, no occurrence of similar duplications in individuals affected with ANE Syndrome and no experimental evidence demonstrating its impact on protein function have been reported. No submitters have cited clinical-significance assessments for this variant to ClinVar. Based on the evidence outlined above, the variant was classified as benign.

NM_018077.3(RBM28):c.*2101_*10851dup

Gene: RBM28 (RNA binding motif protein 28; minus strand). Cytogenetic location: 7q32.1.
Variant type: Duplication.
Coding change: c.*2101_*10851dup on transcript NM_018077.3 (MANE Select); 2101 bases downstream of the stop codon through 10851 bases downstream of the stop codon, 8,751 bases duplicated.
Molecular consequence: 3 prime UTR variant.
Genome position (GRCh38, 1-based): chr7:128,299,946-128,308,696, 8,751 bases duplicated. GRCh37 (hg19): chr7:127,940,002-127,948,752.
Other names: c.*2101_*10851dup (NM_001166135.2); c.*2101_*10851dup8751 (NM_018077.3).
Identifiers: ClinVar variation 3233585 (VCV003233585.2).